The following is an entry in ClinVar:

NM_004655.4(AXIN2):c.1971C>T (p.Ala657=)

Gene: AXIN2 (axin 2; minus strand). Cytogenetic location: 17q24.1.
Variant type: single nucleotide variant.
Coding change: c.1971C>T on transcript NM_004655.4 (MANE Select); coding-DNA position 1971, C replaced by T.
Protein change: p.Ala657=; no amino-acid change (alanine 657 retained).
Molecular consequence: synonymous variant.
Genome position (GRCh38, 1-based): chr17:65,536,490, G>A on the plus strand (C>T on the coding strand, the complement: AXIN2 is on the minus strand). VCF-style: chr17-65536490-G-A. GRCh37 (hg19) VCF-style: chr17-63532608-G-A.
Other names: c.1776C>T, p.Ala592= (NM_001363813.1).
Identifiers: ClinVar variation 698895 (VCV000698895.23), dbSNP rs754480214, ClinGen allele CA8718446.
Genomic context (GRCh38, chr17:65,536,490, plus strand): 5'-GTGGGCACGGGGGGTGGTGCGGGGGTGCCCGCTGTTGCCCCCCCACAGATGGTGCCGGCT[G>A]GCTCGTTCGCCTGGAGACGAGCGGGCAGACTCCAAGGGGTAGGCCTTTTTTGTGCTTTGG-3'
Protein context (NP_004646.3, residues 647-667): ESARSSPGER[Ala657=]SRHHLWGGNS

ClinVar aggregate classification (germline): Benign/Likely benign. Review status: criteria provided, multiple submitters, no conflicts (2 of 4 stars). 5 submissions from 5 submitters: Benign (1); Likely benign (4). Last evaluated 2025-10-31.

Conditions:
Hereditary cancer-predisposing syndrome. Also called: Neoplastic Syndromes, Hereditary; Hereditary neoplastic syndrome; Hereditary Cancer Syndrome; Tumor predisposition. Identifiers: Orphanet 140162, MedGen C0027672, MeSH D009386, MONDO:0015356.
Oligodontia-cancer predisposition syndrome. Also called: TOOTH AGENESIS-COLORECTAL CANCER SYNDROME. Identifiers: Orphanet 300576, MedGen C1837750, MONDO:0012075, OMIM 608615. Disease mechanism: loss of function.

Allele frequency attached by ClinVar (database versions not stated): gnomAD below 0.00001 and 0.00001; TOPMed below 0.00001; gnomAD exomes 0.00002 and 0.00003; ExAC 0.00003.

Submissions (5):

Labcorp Genetics (formerly Invitae), Labcorp
Classification: Likely benign for Oligodontia-cancer predisposition syndrome. Last evaluated: 2025-10-31. Review status: criteria provided, single submitter. Criteria: Invitae Variant Classification Sherloc (09022015). Collection method: clinical testing. Allele origin: germline.

Center for Genomic Medicine, Rigshospitalet, Copenhagen University Hospital
Classification: Likely benign. Last evaluated: 2025-03-04. Review status: criteria provided, single submitter. Criteria: ACMG Guidelines, 2015. Collection method: clinical testing. Allele origin: germline.

Myriad Genetics, Inc.
Classification: Benign for Oligodontia-cancer predisposition syndrome. Last evaluated: 2024-07-09. Review status: criteria provided, single submitter. Criteria: Myriad Autosomal Dominant, Autosomal Recessive and X-Linked Classification Criteria (2023). Collection method: clinical testing. Allele origin: unknown.
Comment: This variant is considered benign. This variant is a silent/synonymous amino acid change and it is not expected to impact splicing.

Blueprint Genetics
Classification: Likely benign. Last evaluated: 2022-12-20. Review status: criteria provided, single submitter. Criteria: ACMG Guidelines, 2015. Collection method: clinical testing. Allele origin: germline.

Ambry Genetics
Classification: Likely benign for Hereditary cancer-predisposing syndrome. Last evaluated: 2019-08-26. Review status: criteria provided, single submitter. Criteria: Ambry Variant Classification Scheme 2023. Collection method: clinical testing. Allele origin: germline.